The following is an entry in ClinVar:

NM_177438.3(DICER1):c.3463A>C (p.Thr1155Pro)

Gene: DICER1 (dicer 1, ribonuclease III; minus strand). Cytogenetic location: 14q32.13.
Variant type: single nucleotide variant.
Coding change: c.3463A>C on transcript NM_177438.3 (MANE Select); coding-DNA position 3463, A replaced by C.
Protein change: p.Thr1155Pro; replaces threonine 1155 with proline.
Molecular consequence: missense variant.
Genome position (GRCh38, 1-based): chr14:95,103,933, T>G on the plus strand (A>C on the coding strand, the complement: DICER1 is on the minus strand). VCF-style: chr14-95103933-T-G. GRCh37 (hg19) VCF-style: chr14-95570270-T-G.
Other names: c.3463A>C, p.Thr1155Pro (NM_001195573.1, NM_001271282.3, NM_001291628.2 and 1 more transcripts); short protein forms T1155P.
Identifiers: ClinVar variation 655351 (VCV000655351.11), dbSNP rs1595366822, ClinGen allele CA390875327.

ClinVar aggregate classification (germline): Uncertain significance. Review status: criteria provided, multiple submitters, no conflicts (2 of 4 stars). 2 submissions from 2 submitters: Uncertain significance (2). Last evaluated 2024-08-24.

Conditions:
DICER1-related tumor predisposition. Also called: DICER1 syndrome; DICER1-related pleuropulmonary blastoma cancer predisposition syndrome. Identifiers: Orphanet 284343, MedGen C3839822, MONDO:0100216.
Hereditary cancer-predisposing syndrome. Also called: Neoplastic Syndromes, Hereditary; Hereditary neoplastic syndrome; Hereditary Cancer Syndrome; Tumor predisposition. Identifiers: Orphanet 140162, MedGen C0027672, MeSH D009386, MONDO:0015356.

Submissions (2):

Labcorp Genetics (formerly Invitae), Labcorp
Classification: Uncertain significance for DICER1-related tumor predisposition. Last evaluated: 2024-08-24. Review status: criteria provided, single submitter. Criteria: Invitae Variant Classification Sherloc (09022015). Collection method: clinical testing. Allele origin: germline.
Comment: This sequence change replaces threonine, which is neutral and polar, with proline, which is neutral and non-polar, at codon 1155 of the DICER1 protein (p.Thr1155Pro). This variant is not present in population databases (gnomAD no frequency). This variant has not been reported in the literature in individuals affected with DICER1-related conditions. ClinVar contains an entry for this variant (Variation ID: 655351). Invitae Evidence Modeling of protein sequence and biophysical properties (such as structural, functional, and spatial information, amino acid conservation, physicochemical variation, residue mobility, and thermodynamic stability) indicates that this missense variant is not expected to disrupt DICER1 protein function with a negative predictive value of 80%. In summary, the available evidence is currently insufficient to determine the role of this variant in disease. Therefore, it has been classified as a Variant of Uncertain Significance.

Ambry Genetics
Classification: Uncertain significance for Hereditary cancer-predisposing syndrome. Last evaluated: 2023-08-23. Review status: criteria provided, single submitter. Criteria: Ambry Variant Classification Scheme 2023. Collection method: clinical testing. Allele origin: germline.
Comment: The p.T1155P variant (also known as c.3463A>C), located in coding exon 20 of the DICER1 gene, results from an A to C substitution at nucleotide position 3463. The threonine at codon 1155 is replaced by proline, an amino acid with highly similar properties. This amino acid position is not well conserved in available vertebrate species. In addition, this alteration is predicted to be tolerated by in silico analysis. Since supporting evidence is limited at this time, the clinical significance of this alteration remains unclear.